The following is an entry in ClinVar:

NM_000094.4(COL7A1):c.2006G>C (p.Arg669Pro)

Gene: COL7A1 (collagen type VII alpha 1 chain; minus strand). Cytogenetic location: 3p21.31.
Variant type: single nucleotide variant.
Coding change: c.2006G>C on transcript NM_000094.4 (MANE Select); coding-DNA position 2006, G replaced by C.
Protein change: p.Arg669Pro; replaces arginine 669 with proline.
Molecular consequence: missense variant.
Genome position (GRCh38, 1-based): chr3:48,590,257, C>G on the plus strand (G>C on the coding strand, the complement: COL7A1 is on the minus strand). VCF-style: chr3-48590257-C-G. GRCh37 (hg19) VCF-style: chr3-48627690-C-G.
Other names: short protein forms R669P.
Identifiers: ClinVar variation 1975442 (VCV001975442.6), dbSNP rs758407585, ClinGen allele CA352726443.

ClinVar aggregate classification (germline): Uncertain significance. Review status: criteria provided, multiple submitters, no conflicts (2 of 4 stars). 2 submissions from 2 submitters: Uncertain significance (2). Last evaluated 2026-04-15.

Conditions:
Recessive dystrophic epidermolysis bullosa (RDEB). Also called: Recessive DEB (RDEB); Hallopeau-Siemens Disease; severe generalized recessive dystrophic epidermolysis bullosa; DYSTROPHIC EPIDERMOLYSIS BULLOSA, AUTOSOMAL RECESSIVE; EPIDERMOLYSIS BULLOSA DYSTROPHICA, HALLOPEAU-SIEMENS TYPE; epidermolysis bullosa dystrophica, autosomal recessive. Identifiers: Orphanet 79408, Orphanet 79409, MedGen C0079474, MONDO:0009179, OMIM 226600.

Submissions (2):

Myriad Genetics, Inc.
Classification: Uncertain significance for Recessive dystrophic epidermolysis bullosa. Last evaluated: 2026-04-15. Review status: criteria provided, single submitter. Criteria: Myriad Autosomal Dominant, Autosomal Recessive and X-Linked Classification Criteria (2023). Collection method: clinical testing. Allele origin: unknown.
Comment: NM_000094.3(COL7A1):c.2006G>C(R669P) is a missense variant classified as a variant of uncertain significance in the context of dystrophic epidermolysis bullosa. R669P has not been observed in cases with relevant disease. Relevant functional assessments of this variant are not available in the literature. R669P has not been observed in referenced population frequency databases. In summary, there is insufficient evidence to classify NM_000094.3(COL7A1):c.2006G>C(R669P) as pathogenic or benign. Please note: this variant was assessed in the context of healthy population screening.

Labcorp Genetics (formerly Invitae), Labcorp
Classification: Uncertain significance. Last evaluated: 2022-08-22. Review status: criteria provided, single submitter. Criteria: Invitae Variant Classification Sherloc (09022015). Collection method: clinical testing. Allele origin: germline.
Comment: In summary, the available evidence is currently insufficient to determine the role of this variant in disease. Therefore, it has been classified as a Variant of Uncertain Significance. Algorithms developed to predict the effect of missense changes on protein structure and function are either unavailable or do not agree on the potential impact of this missense change (SIFT: "Tolerated"; PolyPhen-2: "Not Available"; Align-GVGD: "Class C0"). This variant has not been reported in the literature in individuals affected with COL7A1-related conditions. This variant is not present in population databases (gnomAD no frequency). This sequence change replaces arginine, which is basic and polar, with proline, which is neutral and non-polar, at codon 669 of the COL7A1 protein (p.Arg669Pro).